The following is an entry in ClinVar:

NM_000051.4(ATM):c.3716_3717insTCCTTTTATTTTATTTTTTTTTTTTTTTTTTTTNNNNNNNNNNTCCAATTTCATCCATGTCCCTACAAAGGATATGAACTCATCATTTTTTATGGCTGCATAGTATTCCATGGTGTATATGTGCCACATTTTCTTAATCCT (p.Leu1239delinsPheProPheIleLeuPhePhePhePhePhePheXaaXaaXaaXaaSerAsnPheIleHisValProThrLysAspMetAsnSerSerPhePheMetAlaAlaTer)

Gene: ATM (ATM serine/threonine kinase; plus strand). Cytogenetic location: 11q22.3.
Variant type: Insertion.
Coding change: c.3716_3717insTCCTTTTATTTTATTTTTTTTTTTTTTTTTTTTNNNNNNNNNNTCCAATTTCATCCATGTCCCTACAAAGGATATGAACTCATCATTTTTTATGGCTGCATAGTATTCCATGGTGTATATGTGCCACATTTTCTTAATCCT on transcript NM_000051.4 (MANE Select); coding-DNA positions 3716 to 3717, TCCTTTTATTTTATTTTTTTTTTTTTTTTTTTTNNNNNNNNNNTCCAATTTCATCCATGTCCCTACAAAGGATATGAACTCATCATTTTTTATGGCTGCATAGTATTCCATGGTGTATATGTGCCACATTTTCTTAATCCT inserted.
Protein change: p.Leu1239delinsPheProPheIleLeuPhePhePhePhePhePheXaaXaaXaaXaaSerAsnPheIleHisValProThrLysAspMetAsnSerSerPhePheMetAlaAlaTer.
Molecular consequence: nonsense.
Genome position: GRCh38: chr11:108,282,849-108,282,850. GRCh37 (hg19): chr11:108,153,576-108,153,577.
Other names: c.3716_3717insTCCTTTTATTTTATTTTTTTTTTTTTTTTTTTTNNNNNNNNNNTCCAATTTCATCCATGTCCCTACAAAGGATATGAACTCATCATTTTTTATGGCTGCATAGTATTCCATGGTGTATATGTGCCACATTTTCTTAATCCT, p.Leu1239delinsPheProPheIleLeuPhePhePhePhePhePheXaaXaaXaaXaaSerAsnPheIleHisValProThrLysAspMetAsnSerSerPhePheMetAlaAlaTer (NM_001351834.2).
Identifiers: ClinVar variation 1069949 (VCV001069949.7), dbSNP rs2135690630.

ClinVar aggregate classification (germline): Pathogenic (1 of 4 stars; one submission).

Conditions:
Ataxia-telangiectasia syndrome (AT). Also called: LOUIS-BAR SYNDROME; Ataxia-telangiectasia, complementation group D; AT, COMPLEMENTATION GROUP C; Cerebello-oculocutaneous telangiectasia; Immunodeficiency with ataxia telangiectasia; ATAXIA-TELANGIECTASIA, COMPLEMENTATION GROUP A. Identifiers: Orphanet 100, MedGen C0004135, MONDO:0008840, OMIM 208900.

Submission:

Labcorp Genetics (formerly Invitae), Labcorp
Classification: Pathogenic for Ataxia-telangiectasia syndrome. Last evaluated: 2020-06-22. Review status: criteria provided, single submitter. Criteria: Invitae Variant Classification Sherloc (09022015). Collection method: clinical testing. Allele origin: germline.
Comment: This sequence change inserts a large fragment of DNA, likely a transposable element, in exon 25 of the ATM gene (c.3716_3717insSVA), causing a frameshift at codon 1239 (p.Leu1239fs). The exact size and sequence of the insertion cannot be determined by the current assay. However, the insertion is expected to result in an absent or disrupted protein product. This variant has not been reported in the literature in individuals with ATM-related conditions. Retrotransposon insertions including LINE1 (L1), Alu, and SVA (SINE-VNTR-Alu) have been reported to be disease-causing through disruption of either a coding region or splice site (PMID: 19763152, 20307669, 22406018) and loss-of-function variants in ATM are known to be pathogenic (PMID: 23807571, 25614872). For these reasons, this variant has been classified as Pathogenic.

Literature cited by the submitters: PubMed 19763152; PubMed 20307669; PubMed 22406018; PubMed 23807571; PubMed 25614872.